The following is an entry in ClinVar:

NM_001363711.2(DUOX2):c.2627C>A (p.Ser876Tyr)

Gene: DUOX2 (dual oxidase 2; minus strand). Cytogenetic location: 15q21.1.
Variant type: single nucleotide variant.
Coding change: c.2627C>A on transcript NM_001363711.2 (MANE Select); coding-DNA position 2627, C replaced by A.
Protein change: p.Ser876Tyr; replaces serine 876 with tyrosine.
Molecular consequence: missense variant.
Genome position (GRCh38, 1-based): chr15:45,103,987, G>T on the plus strand (C>A on the coding strand, the complement: DUOX2 is on the minus strand). VCF-style: chr15-45103987-G-T. GRCh37 (hg19) VCF-style: chr15-45396185-G-T.
Other names: c.2627C>A, p.Ser876Tyr (NM_014080.5); short protein forms S876Y.
Identifiers: ClinVar variation 4700854 (VCV004700854.1).
Genomic context (GRCh38, chr15:45,103,987, plus strand): 5'-GAAGTCTCAGGATTAGAAAGGCACACCCCATACCGCATCATGGTGAAGAATTCGTCCTTG[G>T]AGAGGAAGCCATTCTCATCCAGGTCATACATGGTAAACATTAGACGGGACTTATCCTCTG-3'
Protein context (NP_001350640.1, residues 866-886): MYDLDENGFL[Ser876Tyr]KDEFFTMMRS

ClinVar aggregate classification (germline): Uncertain significance (1 of 4 stars; one submission).

gnomAD v4.1: 28 of 1,614,128 alleles (0.0017%); highest among the groups gnomAD compares: Non-Finnish European, 0.0024%; no homozygotes.

Submission:

Labcorp Genetics (formerly Invitae), Labcorp
Classification: Uncertain significance. Last evaluated: 2025-07-30. Review status: criteria provided, single submitter. Criteria: Invitae Variant Classification Sherloc (09022015). Collection method: clinical testing. Allele origin: germline.
Comment: This sequence change replaces serine, which is neutral and polar, with tyrosine, which is neutral and polar, at codon 876 of the DUOX2 protein (p.Ser876Tyr). This variant is not present in population databases (gnomAD no frequency). This variant has not been reported in the literature in individuals affected with DUOX2-related conditions. Invitae Evidence Modeling of protein sequence and biophysical properties (such as structural, functional, and spatial information, amino acid conservation, physicochemical variation, residue mobility, and thermodynamic stability) indicates that this missense variant is expected to disrupt DUOX2 protein function with a positive predictive value of 80%. In summary, the available evidence is currently insufficient to determine the role of this variant in disease. Therefore, it has been classified as a Variant of Uncertain Significance.